The following is an entry in ClinVar:

ClinVar aggregate classification (germline): Uncertain significance. Review status: criteria provided, multiple submitters, no conflicts (2 of 4 stars). 3 submissions from 3 submitters: Uncertain significance (3). Last evaluated 2026-03-27.

Conditions:
Cardiovascular phenotype. Identifiers: MedGen CN230736.
Dilated cardiomyopathy 1G (CMD1G). Identifiers: Orphanet 154, MedGen C1858763, MONDO:0011400, OMIM 604145.
Autosomal recessive limb-girdle muscular dystrophy type 2J (LGMDR10). Also called: Limb-girdle muscular dystrophy, type 2J; MUSCULAR DYSTROPHY, LIMB-GIRDLE, AUTOSOMAL RECESSIVE 10. Identifiers: Orphanet 140922, MedGen C1837342, MONDO:0012127, OMIM 608807.

Allele frequency attached by ClinVar (database versions not stated): ExAC 0.00001; ESP Exome Variant Server 0.00008; gnomAD exomes below 0.00001 and 0.00001.
gnomAD v4.1: 4 of 1,581,002 alleles (0.00025%); highest among the groups gnomAD compares: African/African-American, 0.004%; no homozygotes.

Submissions (3):

Molecular Diagnostic Laboratory for Inherited Cardiovascular Disease, Montreal Heart Institute
Classification: Uncertain significance for Cardiovascular phenotype. Last evaluated: 2026-03-27. Review status: criteria provided, single submitter. Criteria: ACMG Guidelines, 2015. Collection method: clinical testing. Allele origin: germline. Affected: yes.
Comment: PM2

Labcorp Genetics (formerly Invitae), Labcorp
Classification: Uncertain significance for Dilated cardiomyopathy 1G; Autosomal recessive limb-girdle muscular dystrophy type 2J. Last evaluated: 2022-01-18. Review status: criteria provided, single submitter. Criteria: Invitae Variant Classification Sherloc (09022015). Collection method: clinical testing. Allele origin: germline.
Comment: This variant is located in the A band of TTN (PMID: 25589632). Variants in this region may be relevant for cardiac or neuromuscular disorders (PMID: 25589632, 23975875). In summary, the available evidence is currently insufficient to determine the role of this variant in disease. Therefore, it has been classified as a Variant of Uncertain Significance. Variants that disrupt the consensus splice site are a relatively common cause of aberrant splicing (PMID: 17576681, 9536098). Algorithms developed to predict the effect of sequence changes on RNA splicing suggest that this variant may disrupt the consensus splice site. ClinVar contains an entry for this variant (Variation ID: 518545). This variant has not been reported in the literature in individuals affected with TTN-related conditions. This variant is present in population databases (rs368682419, gnomAD 0.01%). This sequence change falls in intron 316 of the TTN gene. It does not directly change the encoded amino acid sequence of the TTN protein. It affects a nucleotide within the consensus splice site.

Ambry Genetics
Classification: Uncertain significance for Cardiovascular phenotype. Last evaluated: 2016-07-31. Review status: criteria provided, single submitter. Criteria: Ambry Variant Classification Scheme 2023. Collection method: clinical testing. Allele origin: germline.
Comment: The c.39574+4A>G intronic variant results from an A to G substitution 4 nucleotides after coding exon 143 in the TTN gene. This variant was previously reported in the SNPDatabase as rs368682419. Based on data from ExAC, the G allele has an overall frequency of less than 0.01% (1/93732). Based on data from the NHLBI Exome Sequencing Project (ESP), the G allele has an overall frequency of approximately 0.01% (1/11960) total alleles studied, having been observed in 0.03% (1/3744) African American alleles. This nucleotide position is not well conserved in available vertebrate species. Using the BDGP and ESEfinder splice site prediction tools, this alteration is predicted to weaken the efficiency of the native splice donor site; however, direct evidence is unavailable. Since supporting evidence is limited at this time, the clinical significance of this alteration remains unclear.

Literature cited by the submitters: PubMed 25589632 (cited by Labcorp Genetics (formerly Invitae), Labcorp); PubMed 23975875 (cited by Labcorp Genetics (formerly Invitae), Labcorp); PubMed 17576681 (cited by Labcorp Genetics (formerly Invitae), Labcorp); PubMed 9536098 (cited by Labcorp Genetics (formerly Invitae), Labcorp).

NM_001267550.2(TTN):c.66769+4A>G

Genes: TTN (titin; minus strand), TTN-AS1 (TTN antisense RNA 1; plus strand). Cytogenetic location: 2q31.2.
Variant type: single nucleotide variant.
Coding change: c.66769+4A>G on transcript NM_001267550.2 (MANE Select); 4 bases into the intron after coding-DNA position 66769, A replaced by G.
Molecular consequence: intron variant.
Genome position (GRCh38, 1-based): chr2:178,581,495, T>C on the plus strand (A>G on the coding strand, the complement: TTN is on the minus strand). VCF-style: chr2-178581495-T-C. GRCh37 (hg19) VCF-style: chr2-179446222-T-C.
Other names: c.39574+4A>G (NM_003319.4); c.40150+4A>G (NM_133437.4); c.39949+4A>G (NM_133432.3); c.59065+4A>G (NM_133378.4); c.61846+4A>G (NM_001256850.1).
Identifiers: ClinVar variation 518545 (VCV000518545.11), dbSNP rs368682419, ClinGen allele CA1991450.